The following is an entry in ClinVar:

NM_198880.3(QRICH1):c.347C>T (p.Ser116Leu)

Gene: QRICH1 (glutamine rich 1; minus strand). Cytogenetic location: 3p21.31.
Variant type: single nucleotide variant.
Coding change: c.347C>T on transcript NM_198880.3 (MANE Select); coding-DNA position 347, C replaced by T.
Protein change: p.Ser116Leu; replaces serine 116 with leucine.
Molecular consequence: missense variant.
Genome position (GRCh38, 1-based): chr3:49,057,853, G>A on the plus strand (C>T on the coding strand, the complement: QRICH1 is on the minus strand). VCF-style: chr3-49057853-G-A. GRCh37 (hg19) VCF-style: chr3-49095286-G-A.
Other names: c.347C>T, p.Ser116Leu (NM_001320580.2, NM_001320581.2, NM_001320582.2 and 4 more transcripts); short protein forms S116L.
Identifiers: ClinVar variation 3360602 (VCV003360602.1).

ClinVar aggregate classification (germline): Uncertain significance (1 of 4 stars; one submission).

gnomAD v4.1: 5 of 1,614,094 alleles (0.00031%); highest among the groups gnomAD compares: African/African-American, 0.0013%; no homozygotes.

Submission:

GeneDx
Classification: Uncertain significance. Last evaluated: 2023-06-29. Review status: criteria provided, single submitter. Criteria: GeneDx Variant Classification Process June 2021. Collection method: clinical testing. Allele origin: germline. Affected: yes.
Comment: Not observed at significant frequency in large population cohorts (gnomAD); In silico analysis supports that this missense variant does not alter protein structure/function; Has not been previously published as pathogenic or benign to our knowledge